The following is an entry in ClinVar:

ClinVar aggregate classification (germline): Benign/Likely benign. Review status: criteria provided, multiple submitters, no conflicts (2 of 4 stars). 3 submissions from 3 submitters: Benign (1); Likely benign (2). Last evaluated 2025-03-25.

Conditions:
Hereditary cancer-predisposing syndrome. Also called: Hereditary neoplastic syndrome; Neoplastic Syndromes, Hereditary; Tumor predisposition; Hereditary Cancer Syndrome. Identifiers: Orphanet 140162, MedGen C0027672, MeSH D009386, MONDO:0015356.
POLD1-related polyposis and colorectal cancer syndrome (CRCS10). Also called: Colorectal cancer, susceptibility to, 10; Colorectal cancer 10; COLORECTAL CANCER, SUSCEPTIBILITY TO, ON CHROMOSOME 19q. Identifiers: Orphanet 220460, MedGen C2675481, MONDO:0012953, OMIM 612591.

Submissions (3):

Ambry Genetics
Classification: Likely benign for Hereditary cancer-predisposing syndrome. Last evaluated: 2025-03-25. Review status: criteria provided, single submitter. Criteria: Ambry Variant Classification Scheme 2023. Collection method: clinical testing. Allele origin: germline.

Myriad Genetics, Inc.
Classification: Benign for POLD1-related polyposis and colorectal cancer syndrome. Last evaluated: 2025-02-05. Review status: criteria provided, single submitter. Criteria: Myriad Autosomal Dominant, Autosomal Recessive and X-Linked Classification Criteria (2023). Collection method: clinical testing. Allele origin: unknown.
Comment: This variant is considered benign. This variant is a silent/synonymous amino acid change and it is not expected to impact splicing.

Labcorp Genetics (formerly Invitae), Labcorp
Classification: Likely benign for POLD1-related polyposis and colorectal cancer syndrome. Last evaluated: 2021-04-01. Review status: criteria provided, single submitter. Criteria: Invitae Variant Classification Sherloc (09022015). Collection method: clinical testing. Allele origin: germline.

NM_002691.4(POLD1):c.1089C>T (p.Ile363=)

Gene: POLD1 (DNA polymerase delta 1, catalytic subunit; plus strand). Cytogenetic location: 19q13.33.
Variant type: single nucleotide variant.
Coding change: c.1089C>T on transcript NM_002691.4 (MANE Select); coding-DNA position 1089, C replaced by T.
Protein change: p.Ile363=; no amino-acid change (isoleucine 363 retained).
Molecular consequence: synonymous variant. On other transcripts: non-coding transcript variant (1).
Genome position (GRCh38, 1-based): chr19:50,403,171, C>T. VCF-style: chr19-50403171-C-T. GRCh37 (hg19) VCF-style: chr19-50906428-C-T.
Other names: c.1089C>T, p.Ile363= (NM_001256849.1, NM_001308632.1); c.1089C>T (NM_002691.2).
Identifiers: ClinVar variation 1107372 (VCV001107372.11), dbSNP rs2122271134, ClinGen allele CA508182706.